The following is an entry in ClinVar:

ClinVar aggregate classification (germline): Uncertain significance (1 of 4 stars; one submission).

Conditions:
Autosomal dominant limb-girdle muscular dystrophy type 1G (LGMDD3). Also called: Limb-girdle muscular dystrophy, type 1G; MUSCULAR DYSTROPHY, LIMB-GIRDLE, AUTOSOMAL DOMINANT 3. Identifiers: Orphanet 55596, MedGen C1836765, MONDO:0012193, OMIM 609115.

Submission:

Labcorp Genetics (formerly Invitae), Labcorp
Classification: Uncertain significance for Autosomal dominant limb-girdle muscular dystrophy type 1G. Last evaluated: 2025-07-30. Review status: criteria provided, single submitter. Criteria: Invitae Variant Classification Sherloc (09022015). Collection method: clinical testing. Allele origin: germline.
Comment: This sequence change replaces serine, which is neutral and polar, with alanine, which is neutral and non-polar, at codon 300 of the HNRNPDL protein (p.Ser300Ala). This variant is not present in population databases (gnomAD no frequency). This variant has not been reported in the literature in individuals affected with HNRNPDL-related conditions. An algorithm developed to predict the effect of missense changes on protein structure and function (PolyPhen-2) suggests that this variant is likely to be tolerated. In summary, the available evidence is currently insufficient to determine the role of this variant in disease. Therefore, it has been classified as a Variant of Uncertain Significance.

NM_031372.4(HNRNPDL):c.898T>G (p.Ser300Ala)

Gene: HNRNPDL (heterogeneous nuclear ribonucleoprotein D like; minus strand). Cytogenetic location: 4q21.22.
Variant type: single nucleotide variant.
Coding change: c.898T>G on transcript NM_031372.4 (MANE Select); coding-DNA position 898, T replaced by G.
Protein change: p.Ser300Ala; replaces serine 300 with alanine.
Molecular consequence: missense variant. On other transcripts: non-coding transcript variant (1).
Genome position (GRCh38, 1-based): chr4:82,427,441, A>C on the plus strand (T>G on the coding strand, the complement: HNRNPDL is on the minus strand). VCF-style: chr4-82427441-A-C. GRCh37 (hg19) VCF-style: chr4-83348594-A-C.
Other names: c.898T>G, p.Ser300Ala (NM_001207000.1); short protein forms S300A.
Identifiers: ClinVar variation 4745124 (VCV004745124.1).